The following is an entry in ClinVar:

ClinVar aggregate classification (germline): Uncertain significance (1 of 4 stars; one submission).

Submission:

Labcorp Genetics (formerly Invitae), Labcorp
Classification: Uncertain significance. Last evaluated: 2023-12-10. Review status: criteria provided, single submitter. Criteria: Invitae Variant Classification Sherloc (09022015). Collection method: clinical testing. Allele origin: germline.
Comment: This sequence change replaces aspartic acid, which is acidic and polar, with asparagine, which is neutral and polar, at codon 273 of the NLRP1 protein (p.Asp273Asn). This variant is not present in population databases (gnomAD no frequency). This variant has not been reported in the literature in individuals affected with NLRP1-related conditions. Algorithms developed to predict the effect of missense changes on protein structure and function output the following: SIFT: "Not Available"; PolyPhen-2: "Benign"; Align-GVGD: "Not Available". The asparagine amino acid residue is found in multiple mammalian species, which suggests that this missense change does not adversely affect protein function. In summary, the available evidence is currently insufficient to determine the role of this variant in disease. Therefore, it has been classified as a Variant of Uncertain Significance.

NM_033004.4(NLRP1):c.817G>A (p.Asp273Asn)

Gene: NLRP1 (NLR family pyrin domain containing 1; minus strand). Cytogenetic location: 17p13.2.
Variant type: single nucleotide variant.
Coding change: c.817G>A on transcript NM_033004.4 (MANE Select); coding-DNA position 817, G replaced by A.
Protein change: p.Asp273Asn; replaces aspartic acid 273 with asparagine.
Molecular consequence: missense variant.
Genome position (GRCh38, 1-based): chr17:5,559,879, C>T on the plus strand (G>A on the coding strand, the complement: NLRP1 is on the minus strand). VCF-style: chr17-5559879-C-T. GRCh37 (hg19) VCF-style: chr17-5463199-C-T.
Other names: c.817G>A, p.Asp273Asn (NM_001033053.3, NM_014922.5, NM_033006.4 and 1 more transcripts); short protein forms D273N.
Identifiers: ClinVar variation 2878188 (VCV002878188.3), dbSNP rs2507942544, ClinGen allele CA397387958.